The following is an entry in ClinVar:

ClinVar aggregate classification (germline): Uncertain significance. Review status: criteria provided, multiple submitters, no conflicts (2 of 4 stars). 2 submissions from 2 submitters: Uncertain significance (2). Last evaluated 2025-09-16.

Conditions:
Cardiovascular phenotype. Identifiers: MedGen CN230736.
RASopathy. Also called: Noonan spectrum disorder; rasopathies. Identifiers: Orphanet 536391, MedGen C5555857, MONDO:0021060.

Allele frequency attached by ClinVar (database versions not stated): gnomAD exomes below 0.00001.
gnomAD v4.1: 2 of 1,613,012 alleles (0.00012%); highest among the groups gnomAD compares: Non-Finnish European, 0.00017%; no homozygotes.

Submissions (2):

Labcorp Genetics (formerly Invitae), Labcorp
Classification: Uncertain significance for RASopathy. Last evaluated: 2025-09-16. Review status: criteria provided, single submitter. Criteria: Invitae Variant Classification Sherloc (09022015). Collection method: clinical testing. Allele origin: germline.
Comment: This sequence change replaces serine, which is neutral and polar, with cysteine, which is neutral and slightly polar, at codon 743 of the CBL protein (p.Ser743Cys). This variant is not present in population databases (gnomAD no frequency). This variant has not been reported in the literature in individuals affected with CBL-related conditions. ClinVar contains an entry for this variant (Variation ID: 2770801). Invitae Evidence Modeling of protein sequence and biophysical properties (such as structural, functional, and spatial information, amino acid conservation, physicochemical variation, residue mobility, and thermodynamic stability) indicates that this missense variant is not expected to disrupt CBL protein function with a negative predictive value of 95%. In summary, the available evidence is currently insufficient to determine the role of this variant in disease. Therefore, it has been classified as a Variant of Uncertain Significance.

Ambry Genetics
Classification: Uncertain significance for Cardiovascular phenotype. Last evaluated: 2024-12-15. Review status: criteria provided, single submitter. Criteria: Ambry Variant Classification Scheme 2023. Collection method: clinical testing. Allele origin: germline.
Comment: The p.S743C variant (also known as c.2228C>G), located in coding exon 14 of the CBL gene, results from a C to G substitution at nucleotide position 2228. The serine at codon 743 is replaced by cysteine, an amino acid with dissimilar properties. This amino acid position is conserved. In addition, this alteration is predicted to be tolerated by in silico analysis. Based on the available evidence, the clinical significance of this variant remains unclear.

NM_005188.4(CBL):c.2228C>G (p.Ser743Cys)

Gene: CBL (Cbl proto-oncogene; plus strand). Cytogenetic location: 11q23.3.
Variant type: single nucleotide variant.
Coding change: c.2228C>G on transcript NM_005188.4 (MANE Select); coding-DNA position 2228, C replaced by G.
Protein change: p.Ser743Cys; replaces serine 743 with cysteine.
Molecular consequence: missense variant.
Genome position (GRCh38, 1-based): chr11:119,297,458, C>G. VCF-style: chr11-119297458-C-G. GRCh37 (hg19) VCF-style: chr11-119168168-C-G.
Other names: c.2228C>G (NM_005188.2); short protein forms S743C.
Identifiers: ClinVar variation 2770801 (VCV002770801.5), dbSNP rs2496972047, ClinGen allele CA382928549.